The following continues an entry in ClinVar:

NM_032043.3(BRIP1):c.2285G>A (p.Arg762His)

Gene: BRIP1. ClinVar aggregate classification (germline): Uncertain significance. Uncertain significance (19).

Submissions 9 to 21 of 21:

Ambry Genetics
Classification: Uncertain significance for Hereditary cancer-predisposing syndrome. Last evaluated: 2024-12-20. Review status: criteria provided, single submitter. Criteria: Ambry Variant Classification Scheme 2023. Collection method: clinical testing. Allele origin: germline.
Comment: The p.R762H variant (also known as c.2285G>A), located in coding exon 15 of the BRIP1 gene, results from a G to A substitution at nucleotide position 2285. The arginine at codon 762 is replaced by histidine, an amino acid with highly similar properties. This alteration has been reported in 1/1197 individuals from Greece, Romania, and Turkey undergoing evaluation for inherited cancer predisposition (Tsaousis GN et al. BMC Cancer, 2019 Jun;19:535). This alteration has been reported with a carrier frequency of 0.00008 in 12366 male controls and was not detected in 7636 unselected prostate cancer patients of Japanese ancestry (Momozawa Y et al. J Natl Cancer Inst, 2020 04;112:369-376). This variant was also detected in a cohort of 1682 Brazilian individuals with a personal and/or family history of breast and/or ovarian cancer (de Oliveira JM et al. Eur J Hum Genet, 2022 Jul;30:818-823). This amino acid position is highly conserved in available vertebrate species. In addition, this alteration is predicted to be deleterious by in silico analysis. Based on the available evidence, the clinical significance of this variant remains unclear.

Blueprint Genetics
Classification: Uncertain significance. Last evaluated: 2024-09-06. Review status: criteria provided, single submitter. Criteria: ACMG Guidelines, 2015. Collection method: clinical testing. Allele origin: germline.

Baylor Genetics
Classification: Uncertain significance for Familial cancer of breast. Last evaluated: 2024-02-22. Review status: criteria provided, single submitter. Criteria: ACMG Guidelines, 2015. Collection method: clinical testing. Allele origin: unknown.

Color Diagnostics, LLC DBA Color Health
Classification: Uncertain significance for Hereditary cancer-predisposing syndrome. Last evaluated: 2023-12-06. Review status: criteria provided, single submitter. Criteria: ACMG Guidelines, 2015. Collection method: clinical testing. Allele origin: germline.
Comment: This missense variant replaces arginine with histidine at codon 762 of the BRIP1 protein. Computational prediction suggests that this variant may have deleterious impact on protein structure and function. To our knowledge, functional studies have not been performed for this variant. This variant has been reported in individuals affected with breast or ovarian cancer (PMID: 26921362, 29368626, 33552952,34011307, 35127508, 36011273) and in a breast cancer case-control meta-analysis in 3/60466 cases and 2/53461 unaffected individuals (PMID: 33471991; Leiden Open Variation Database DB-ID BRIP1_000127). This variant also has been reported in pancreatic, prostate and biliary tract cancer case-control studies in one unaffected individual each and absent in 1005 pancreatic cancer cases, 7635 prostate cancer cases and 1229 biliary tract cancer cases (PMID: 31214711, 32980694, 36243179). This variant has been identified in 17/251246 chromosomes in the general population by the Genome Aggregation Database (gnomAD). The available evidence is insufficient to determine the role of this variant in disease conclusively. Therefore, this variant is classified as a Variant of Uncertain Significance.

Myriad Genetics, Inc.
Classification: Uncertain significance for Familial cancer of breast. Last evaluated: 2023-02-28. Review status: criteria provided, single submitter. Criteria: Myriad Autosomal Dominant, Autosomal Recessive and X-Linked Classification Criteria (2023). Collection method: clinical testing. Allele origin: unknown.
Comment: This variant is classified as a variant of uncertain significance as there is insufficient evidence to determine its impact on protein function and/or cancer risk.

Department of Pathology and Laboratory Medicine, Sinai Health System
Classification: Uncertain significance for Familial cancer of breast. Last evaluated: 2023-02-13. Review status: criteria provided, single submitter. Criteria: ACMG Guidelines, 2015. Collection method: clinical testing. Allele origin: germline. Affected: yes.

Fulgent Genetics
Classification: Uncertain significance for Familial cancer of breast; Fanconi anemia complementation group J. Last evaluated: 2022-05-17. Review status: criteria provided, single submitter. Criteria: ACMG Guidelines, 2015. Collection method: clinical testing. Allele origin: unknown.

CHEO Genetics Diagnostic Laboratory, Children's Hospital of Eastern Ontario
Classification: Uncertain significance for Breast and/or ovarian cancer. Last evaluated: 2021-06-26. Review status: criteria provided, single submitter. Criteria: ACMG Guidelines, 2015. Collection method: clinical testing. Allele origin: germline.

Sema4
Classification: Uncertain significance for Hereditary cancer-predisposing syndrome. Last evaluated: 2021-06-16. Review status: criteria provided, single submitter. Criteria: Sema4 Curation Guidelines. Collection method: curation. Allele origin: germline.
Comment: The BRIP1 c.2285G>A (p.R762H) variant has been reported in heterozygosity in at least 4 individuals with breast cancer (PMID: 31159747, 29368626, 34011307, 26921362), one individual with Lynch Syndrome (PMID 25980754), and in healthy control cohorts (PMID 29368626, 31214711). This variant was observed in 6/30616 chromosomes in the South Asian population, according to the Genome Aggregation Database (PMID: 32461654). This variant has been reported in ClinVar (Variation ID: 186226). In silico tools suggest the impact of the variant on protein function is deleterious, though these predictions have not been confirmed by functional studies. The overall evidence is inconsistent with ACMG/AMP requirements for a classification of benign or pathogenic. In summary, the clinical significance of this variant is currently uncertain.

GeneKor MSA
Classification: Uncertain significance for Hereditary cancer-predisposing syndrome. Last evaluated: 2018-08-01. Review status: criteria provided, single submitter. Criteria: ACMG Guidelines, 2015. Collection method: clinical testing. Allele origin: germline. Affected: yes.

Illumina Laboratory Services, Illumina
Classification: Uncertain significance for Fanconi anemia complementation group J. Last evaluated: 2018-01-12. Review status: criteria provided, single submitter. Criteria: ICSL Variant Classification Criteria 13 December 2019. Collection method: clinical testing. Allele origin: germline.

Leiden Open Variation Database
Classification: Uncertain significance. Last evaluated: 2019-08-13. Review status: no assertion criteria provided. Collection method: curation. Allele origin: germline. Affected: yes. Not counted in ClinVar's aggregate classification.
Comment: Curator: Arleen D. Auerbach. Submitter to LOVD: Yukihide Momozawa.

Counsyl
Classification: Uncertain significance for Fanconi anemia complementation group J; Ovarian cancer. Last evaluated: 2018-04-12. Review status: no assertion criteria provided. Collection method: clinical testing. Allele origin: unknown. Not counted in ClinVar's aggregate classification.

Literature cited by the submitters: PubMed 25980754 (cited by 7 submitters); PubMed 26921362 (cited by 7 submitters); PubMed 29368626 (cited by 7 submitters); PubMed 34011307 (cited by 5 submitters); PubMed 35534704 (cited by Labcorp Genetics (formerly Invitae), Labcorp and Ambry Genetics); PubMed 36243179 (cited by 3 submitters); PubMed 33471991 (cited by Quest Diagnostics Nichols Institute San Juan Capistrano and Color Diagnostics, LLC DBA Color Health); PubMed 32906206 (cited by Quest Diagnostics Nichols Institute San Juan Capistrano); PubMed 29338072 (cited by Quest Diagnostics Nichols Institute San Juan Capistrano); PubMed 36922933 (cited by Quest Diagnostics Nichols Institute San Juan Capistrano); PubMed 39440754 (cited by Quest Diagnostics Nichols Institute San Juan Capistrano); PubMed 36011273 (cited by Quest Diagnostics Nichols Institute San Juan Capistrano and Color Diagnostics, LLC DBA Color Health); PubMed 31768066 (cited by Quest Diagnostics Nichols Institute San Juan Capistrano); PubMed 35127508 (cited by Quest Diagnostics Nichols Institute San Juan Capistrano and Color Diagnostics, LLC DBA Color Health); PubMed 33552952 (cited by Quest Diagnostics Nichols Institute San Juan Capistrano and Color Diagnostics, LLC DBA Color Health); PubMed 31214711 (cited by 6 submitters); PubMed 31159747 (cited by 4 submitters); PubMed 34771502 (cited by Quest Diagnostics Nichols Institute San Juan Capistrano); PubMed 29641532 (cited by Center for Genomic Medicine, Rigshospitalet, Copenhagen University Hospital); PubMed 32980694 (cited by Color Diagnostics, LLC DBA Color Health).